The following is an entry in ClinVar:

ClinVar aggregate classification (germline): Uncertain significance. Review status: criteria provided, multiple submitters, no conflicts (2 of 4 stars). 2 submissions from 2 submitters: Uncertain significance (2). Last evaluated 2025-02-09.

Allele frequency attached by ClinVar (database versions not stated): ExAC 0.00001; gnomAD 0.00001; gnomAD exomes 0.00001; TOPMed 0.00001.
gnomAD v4.1: 13 of 1,613,706 alleles (0.00081%); highest among the groups gnomAD compares: South Asian, 0.0033%; no homozygotes.

Submissions (2):

Ambry Genetics
Classification: Uncertain significance. Last evaluated: 2025-02-09. Review status: criteria provided, single submitter. Criteria: Ambry Variant Classification Scheme 2023. Collection method: clinical testing. Allele origin: germline.
Comment: The p.R436H variant (also known as c.1307G>A), located in coding exon 8 of the RNF43 gene, results from a G to A substitution at nucleotide position 1307. The arginine at codon 436 is replaced by histidine, an amino acid with highly similar properties. This amino acid position is conserved. In addition, this alteration is predicted to be tolerated by in silico analysis. Based on the available evidence, the clinical significance of this variant remains unclear.

Labcorp Genetics (formerly Invitae), Labcorp
Classification: Uncertain significance. Last evaluated: 2023-08-17. Review status: criteria provided, single submitter. Criteria: Invitae Variant Classification Sherloc (09022015). Collection method: clinical testing. Allele origin: germline.
Comment: In summary, the available evidence is currently insufficient to determine the role of this variant in disease. Therefore, it has been classified as a Variant of Uncertain Significance. Algorithms developed to predict the effect of missense changes on protein structure and function output the following: SIFT: "Not Available"; PolyPhen-2: "Benign"; Align-GVGD: "Not Available". The histidine amino acid residue is found in multiple mammalian species, which suggests that this missense change does not adversely affect protein function. ClinVar contains an entry for this variant (Variation ID: 1441507). This variant has not been reported in the literature in individuals affected with RNF43-related conditions. This variant is present in population databases (rs756200398, gnomAD 0.007%). This sequence change replaces arginine, which is basic and polar, with histidine, which is basic and polar, at codon 436 of the RNF43 protein (p.Arg436His).

NM_017763.6(RNF43):c.1307G>A (p.Arg436His)

Gene: RNF43 (ring finger protein 43; minus strand). Cytogenetic location: 17q22.
Variant type: single nucleotide variant.
Coding change: c.1307G>A on transcript NM_017763.6 (MANE Select); coding-DNA position 1307, G replaced by A.
Protein change: p.Arg436His; replaces arginine 436 with histidine.
Molecular consequence: missense variant.
Genome position (GRCh38, 1-based): chr17:58,358,469, C>T on the plus strand (G>A on the coding strand, the complement: RNF43 is on the minus strand). VCF-style: chr17-58358469-C-T. GRCh37 (hg19) VCF-style: chr17-56435830-C-T.
Other names: c.1307G>A, p.Arg436His (NM_001305544.3); c.926G>A, p.Arg309His (NM_001305545.2); short protein forms R436H, R309H.
Identifiers: ClinVar variation 1441507 (VCV001441507.9), dbSNP rs756200398, ClinGen allele CA8673198.